The following is an entry in ClinVar:

ClinVar aggregate classification (germline): Uncertain significance. Review status: criteria provided, multiple submitters, no conflicts (2 of 4 stars). 3 submissions from 3 submitters: Uncertain significance (3). Last evaluated 2025-09-17.

Conditions:
Primary ciliary dyskinesia. Also called: Ciliary dyskinesia. Identifiers: Orphanet 244, MedGen C0008780, MONDO:0016575, HP:0012265.
Primary ciliary dyskinesia 11. Also called: CILIARY DYSKINESIA, PRIMARY, 11, WITHOUT SITUS INVERSUS. Identifiers: Orphanet 244, MedGen C2675229, MONDO:0012978, OMIM 612649.

Allele frequency attached by ClinVar (database versions not stated): ExAC 0.00003; gnomAD exomes 0.00006 and 0.00014; TOPMed 0.00008; gnomAD 0.00009; ESP Exome Variant Server 0.00015; 1000 Genomes Project 30x 0.00016; 1000 Genomes Project 0.00020.
gnomAD v4.1: 217 of 1,614,116 alleles (0.013%); highest among the groups gnomAD compares: Non-Finnish European, 0.017%; no homozygotes.

Submissions (3):

Labcorp Genetics (formerly Invitae), Labcorp
Classification: Uncertain significance for Primary ciliary dyskinesia. Last evaluated: 2025-09-17. Review status: criteria provided, single submitter. Criteria: Invitae Variant Classification Sherloc (09022015). Collection method: clinical testing. Allele origin: germline.
Comment: This sequence change replaces proline, which is neutral and non-polar, with leucine, which is neutral and non-polar, at codon 445 of the RSPH4A protein (p.Pro445Leu). This variant is present in population databases (rs139677155, gnomAD 0.01%). This variant has not been reported in the literature in individuals affected with RSPH4A-related conditions. ClinVar contains an entry for this variant (Variation ID: 903940). Invitae Evidence Modeling of protein sequence and biophysical properties (such as structural, functional, and spatial information, amino acid conservation, physicochemical variation, residue mobility, and thermodynamic stability) indicates that this missense variant is expected to disrupt RSPH4A protein function with a positive predictive value of 80%. In summary, the available evidence is currently insufficient to determine the role of this variant in disease. Therefore, it has been classified as a Variant of Uncertain Significance.

Ambry Genetics
Classification: Uncertain significance for Primary ciliary dyskinesia. Last evaluated: 2024-07-02. Review status: criteria provided, single submitter. Criteria: Ambry Variant Classification Scheme 2023. Collection method: clinical testing. Allele origin: germline.

Illumina Laboratory Services, Illumina
Classification: Uncertain significance for Primary ciliary dyskinesia 11. Last evaluated: 2018-01-13. Review status: criteria provided, single submitter. Criteria: ICSL Variant Classification Criteria 13 December 2019. Collection method: clinical testing. Allele origin: germline.

NM_001010892.3(RSPH4A):c.1334C>T (p.Pro445Leu)

Gene: RSPH4A (radial spoke head component 4A; plus strand). Cytogenetic location: 6q22.1.
Variant type: single nucleotide variant.
Coding change: c.1334C>T on transcript NM_001010892.3 (MANE Select); coding-DNA position 1334, C replaced by T.
Protein change: p.Pro445Leu; replaces proline 445 with leucine.
Molecular consequence: missense variant.
Genome position (GRCh38, 1-based): chr6:116,628,041, C>T. VCF-style: chr6-116628041-C-T. GRCh37 (hg19) VCF-style: chr6-116949204-C-T.
Other names: c.1334C>T, p.Pro445Leu (NM_001161664.2); short protein forms P445L.
Identifiers: ClinVar variation 903940 (VCV000903940.11), dbSNP rs139677155, ClinGen allele CA3970928.
Genomic context (GRCh38, chr6:116,628,041, plus strand): 5'-GTGCCAACAAATATGTCTATTTTGTTTGCAATGAACCAGGAAGACCATGGGTGAAGTTAC[C>T]ACCAGTTATACCTGCACAAATTGTTATTGCAAGAAAAATCAAGAAATTTTTCACTGGGCG-3'
Protein context (NP_001010892.1, residues 435-455): NEPGRPWVKL[Pro445Leu]PVIPAQIVIA